The following is an entry in ClinVar:

NM_000038.6(APC):c.1376A>G (p.Asp459Gly)

Gene: APC (APC regulator of Wnt signaling pathway; plus strand). Cytogenetic location: 5q22.2.
Variant type: single nucleotide variant.
Coding change: c.1376A>G on transcript NM_000038.6 (MANE Select); coding-DNA position 1376, A replaced by G.
Protein change: p.Asp459Gly; replaces aspartic acid 459 with glycine.
Molecular consequence: missense variant.
Genome position (GRCh38, 1-based): chr5:112,821,959, A>G. VCF-style: chr5-112821959-A-G. GRCh37 (hg19) VCF-style: chr5-112157656-A-G.
Other names: c.1376A>G, p.Asp459Gly (NM_001127510.3, NM_001354895.2, NM_001354896.2); c.1322A>G, p.Asp441Gly (NM_001127511.3); c.1406A>G, p.Asp469Gly (NM_001354897.2); c.1301A>G, p.Asp434Gly (NM_001354898.2); c.1292A>G, p.Asp431Gly (NM_001354899.2); c.1199A>G, p.Asp400Gly (NM_001354900.2, NM_001354901.2); c.1103A>G, p.Asp368Gly (NM_001354902.2); c.1073A>G, p.Asp358Gly (NM_001354903.2); and 3 more; short protein forms D441G, D459G, D431G, D299G, D368G, D434G, D333G, D176G.
Identifiers: ClinVar variation 487006 (VCV000487006.12), dbSNP rs1554080714, ClinGen allele CA16024318.

ClinVar aggregate classification (germline): Uncertain significance. Review status: criteria provided, multiple submitters, no conflicts (2 of 4 stars). 3 submissions from 3 submitters: Uncertain significance (3). Last evaluated 2024-09-04.

Conditions:
Familial adenomatous polyposis 1 (FAP1). Also called: FAMILIAL ADENOMATOUS POLYPOSIS 1, ATTENUATED; POLYPOSIS, ADENOMATOUS INTESTINAL. Identifiers: MedGen C2713442, MONDO:0021056, OMIM 175100. Disease mechanism: loss of function.
Hereditary cancer-predisposing syndrome. Also called: Tumor predisposition; Hereditary Cancer Syndrome; Hereditary neoplastic syndrome; Neoplastic Syndromes, Hereditary. Identifiers: Orphanet 140162, MedGen C0027672, MeSH D009386, MONDO:0015356.

Submissions (3):

Ambry Genetics
Classification: Uncertain significance for Hereditary cancer-predisposing syndrome. Last evaluated: 2024-09-04. Review status: criteria provided, single submitter. Criteria: Ambry Variant Classification Scheme 2023. Collection method: clinical testing. Allele origin: germline.
Comment: The p.D459G variant (also known as c.1376A>G), located in coding exon 10 of the APC gene, results from an A to G substitution at nucleotide position 1376. The aspartic acid at codon 459 is replaced by glycine, an amino acid with similar properties. This amino acid position is highly conserved in available vertebrate species. In addition, in silico predictors for this gene do not accurately predict pathogenicity. Missense alterations in APC are not a common cause of disease (Spier I et al. Genet Med. 2024 Feb;26(2):100992). Based on the available evidence, the clinical significance of this variant remains unclear.

Labcorp Genetics (formerly Invitae), Labcorp
Classification: Uncertain significance for Familial adenomatous polyposis 1. Last evaluated: 2023-11-18. Review status: criteria provided, single submitter. Criteria: Invitae Variant Classification Sherloc (09022015). Collection method: clinical testing. Allele origin: germline.
Comment: This sequence change replaces aspartic acid, which is acidic and polar, with glycine, which is neutral and non-polar, at codon 459 of the APC protein (p.Asp459Gly). This variant is not present in population databases (gnomAD no frequency). This variant has not been reported in the literature in individuals affected with APC-related conditions. ClinVar contains an entry for this variant (Variation ID: 487006). Advanced modeling of protein sequence and biophysical properties (such as structural, functional, and spatial information, amino acid conservation, physicochemical variation, residue mobility, and thermodynamic stability) performed at Invitae indicates that this missense variant is not expected to disrupt APC protein function with a negative predictive value of 95%. In summary, the available evidence is currently insufficient to determine the role of this variant in disease. Therefore, it has been classified as a Variant of Uncertain Significance.

Color Diagnostics, LLC DBA Color Health
Classification: Uncertain significance for Hereditary cancer-predisposing syndrome. Last evaluated: 2019-06-18. Review status: criteria provided, single submitter. Criteria: ACMG Guidelines, 2015. Collection method: clinical testing. Allele origin: germline.